The following is an entry in ClinVar:

ClinVar aggregate classification (germline): Uncertain significance (1 of 4 stars; one submission).

Conditions:
Congenital contractural arachnodactyly (CCA). Also called: BEALS SYNDROME; Arthrogryposis, distal, type 9; Beals-Hecht syndrome. Identifiers: Orphanet 115, MedGen C0220668, MONDO:0007363, OMIM 121050.

Submission:

Labcorp Genetics (formerly Invitae), Labcorp
Classification: Uncertain significance for Congenital contractural arachnodactyly. Last evaluated: 2025-05-25. Review status: criteria provided, single submitter. Criteria: Invitae Variant Classification Sherloc (09022015). Collection method: clinical testing. Allele origin: germline.
Comment: This sequence change replaces methionine, which is neutral and non-polar, with threonine, which is neutral and polar, at codon 154 of the FBN2 protein (p.Met154Thr). This variant is not present in population databases (gnomAD no frequency). This variant has not been reported in the literature in individuals affected with FBN2-related conditions. Invitae Evidence Modeling of protein sequence and biophysical properties (such as structural, functional, and spatial information, amino acid conservation, physicochemical variation, residue mobility, and thermodynamic stability) indicates that this missense variant is not expected to disrupt FBN2 protein function with a negative predictive value of 80%. In summary, the available evidence is currently insufficient to determine the role of this variant in disease. Therefore, it has been classified as a Variant of Uncertain Significance.

NM_001999.4(FBN2):c.461T>C (p.Met154Thr)

Gene: FBN2 (fibrillin 2; minus strand). Cytogenetic location: 5q23.3.
Variant type: single nucleotide variant.
Coding change: c.461T>C on transcript NM_001999.4 (MANE Select); coding-DNA position 461, T replaced by C.
Protein change: p.Met154Thr; replaces methionine 154 with threonine.
Molecular consequence: missense variant.
Genome position (GRCh38, 1-based): chr5:128,527,943, A>G on the plus strand (T>C on the coding strand, the complement: FBN2 is on the minus strand). VCF-style: chr5-128527943-A-G. GRCh37 (hg19) VCF-style: chr5-127863636-A-G.
Other names: short protein forms M154T.
Identifiers: ClinVar variation 4812183 (VCV004812183.1).
Genomic context (GRCh38, chr5:128,527,943, plus strand): 5'-TAAGTTCCAATATATCCTTTCTGGCACTGGCAGTGGTCATCTGCACAGGTCCCACCATTC[A>G]TGCATCTCACACTGCACTGCTGAACTGCAAAGAGCAATAACAAAAAGTATAAAAACATCA-3'
Protein context (NP_001990.2, residues 144-164): KSIQQCSVRC[Met154Thr]NGGTCADDHC